The following is an entry in ClinVar:

ClinVar aggregate classification (germline): Conflicting classifications of pathogenicity. Review status: criteria provided, conflicting classifications (1 of 4 stars). 2 submissions from 2 submitters: Uncertain significance (1); Likely benign (1). Last evaluated 2026-05-11.

Conditions:
Oligodontia-cancer predisposition syndrome. Also called: TOOTH AGENESIS-COLORECTAL CANCER SYNDROME. Identifiers: Orphanet 300576, MedGen C1837750, MONDO:0012075, OMIM 608615. Disease mechanism: loss of function.
Hereditary cancer-predisposing syndrome. Also called: Neoplastic Syndromes, Hereditary; Tumor predisposition; Hereditary Cancer Syndrome; Hereditary neoplastic syndrome. Identifiers: Orphanet 140162, MedGen C0027672, MeSH D009386, MONDO:0015356.

gnomAD v4.1: 1 of 1,593,454 alleles (0.000063%); highest among the groups gnomAD compares: Non-Finnish European, 0.000086%; no homozygotes.

Submissions (2):

Ambry Genetics
Classification: Uncertain significance for Hereditary cancer-predisposing syndrome. Last evaluated: 2026-05-11. Review status: criteria provided, single submitter. Criteria: Ambry Variant Classification Scheme 2023. Collection method: clinical testing. Allele origin: germline.
Comment: The c.816-5C>T intronic variant results from a C to T substitution 5 nucleotides upstream from coding exon 2 in the AXIN2 gene. This nucleotide position is not well conserved in available vertebrate species. In silico splice site analysis predicts that this alteration will not have any significant effect on splicing. Based on the available evidence, the clinical significance of this variant remains unclear.

Labcorp Genetics (formerly Invitae), Labcorp
Classification: Likely benign for Oligodontia-cancer predisposition syndrome. Last evaluated: 2025-09-27. Review status: criteria provided, single submitter. Criteria: Invitae Variant Classification Sherloc (09022015). Collection method: clinical testing. Allele origin: germline.

NM_004655.4(AXIN2):c.816-5C>T

Gene: AXIN2 (axin 2; minus strand). Cytogenetic location: 17q24.1.
Variant type: single nucleotide variant.
Coding change: c.816-5C>T on transcript NM_004655.4 (MANE Select); 5 bases into the intron before coding-DNA position 816, C replaced by T.
Molecular consequence: intron variant.
Genome position (GRCh38, 1-based): chr17:65,549,665, G>A on the plus strand (C>T on the coding strand, the complement: AXIN2 is on the minus strand). VCF-style: chr17-65549665-G-A. GRCh37 (hg19) VCF-style: chr17-63545783-G-A.
Other names: c.816-5C>T (NM_001363813.1, NM_004655.3).
Identifiers: ClinVar variation 4725045 (VCV004725045.2).